The following is an entry in ClinVar:

NM_033305.3(VPS13A):c.7339dup (p.Tyr2447fs)

Gene: VPS13A (vacuolar protein sorting 13 homolog A; plus strand). Cytogenetic location: 9q21.2.
Variant type: Duplication.
Coding change: c.7339dup on transcript NM_033305.3 (MANE Select); coding-DNA position 7339, one base duplicated (T; older notation c.7339dupT).
Protein change: p.Tyr2447fs; shifts the reading frame from tyrosine 2447.
Molecular consequence: frameshift variant.
Genome position (GRCh38, 1-based): chr9:77,351,366, T duplicated; the last of 4 consecutive T bases (chr9:77,351,363-77,351,366); duplicating any one gives the same sequence. VCF-style (leftmost placement, unchanged base first): chr9-77351362-G-GT. GRCh37 (hg19) VCF-style: chr9-79966278-G-GT.
Other names: c.7222dup, p.Tyr2408fs (NM_001018037.2); c.7339dup, p.Tyr2447fs (NM_001018038.3, NM_015186.4); c.7339dupT (NM_033305.2); short protein forms Y2447fs, Y2408fs.
Identifiers: ClinVar variation 1371394 (VCV001371394.8), dbSNP rs1419127345, ClinGen allele CA465540090.

ClinVar aggregate classification (germline): Pathogenic/Likely pathogenic. Review status: criteria provided, multiple submitters, no conflicts (2 of 4 stars). 3 submissions from 3 submitters: Pathogenic (2); Likely pathogenic (1). Last evaluated 2025-09-22.

Conditions:
VPS13A-related neurodegenerative disease. Also called: Choreoacanthocytosis; Chorea-acanthocytosis; Choreaacanthocytosis; VPS13A Disease; ACANTHOCYTOSIS WITH NEUROLOGIC DISORDER; LEVINE-CRITCHLEY SYNDROME. Identifiers: Orphanet 2388, MedGen C0393576, MONDO:0008695, OMIM 200150.

Submissions (3):

Natera, Inc.
Classification: Likely pathogenic for Choreaacanthocytosis. Last evaluated: 2025-09-22. Review status: criteria provided, single submitter. Criteria: Natera Variant Classification Schema (03/2026). Collection method: clinical testing. Allele origin: germline.
Comment: The c.7339dupT variant in VPS13A is a frameshift variant predicted to shift the reading frame beginning at codon 2447 and leads to a stop codon 5 codons downstream. This variant is expected to result in nonsense mediated decay, truncation, or a dysfunctional protein product. This variant is rare in the general population with a frequency below the threshold expected for the associated phenotype(s). Given the available evidence, this variant is classified as Likely Pathogenic.

Myriad Genetics, Inc.
Classification: Pathogenic for VPS13A-related neurodegenerative disease. Last evaluated: 2024-05-14. Review status: criteria provided, single submitter. Criteria: Myriad Autosomal Dominant, Autosomal Recessive and X-Linked Classification Criteria (2023). Collection method: clinical testing. Allele origin: unknown.
Comment: NM_033305.2(VPS13A):c.7339dupT(Y2447Lfs*5) is expected to be pathogenic in the context of VPS13A disease. This variant is predicted to lead to an abnormal or absent protein product due to the creation of a premature termination codon in VPS13A, a gene where loss-of-function variants are known to be pathogenic. Please note: this variant was assessed in the context of healthy population screening.

Labcorp Genetics (formerly Invitae), Labcorp
Classification: Pathogenic. Last evaluated: 2024-02-11. Review status: criteria provided, single submitter. Criteria: Invitae Variant Classification Sherloc (09022015). Collection method: clinical testing. Allele origin: germline.
Comment: This sequence change creates a premature translational stop signal (p.Tyr2447Leufs*5) in the VPS13A gene. It is expected to result in an absent or disrupted protein product. Loss-of-function variants in VPS13A are known to be pathogenic (PMID: 12404112, 21598378). This variant is not present in population databases (gnomAD no frequency). This premature translational stop signal has been observed in individual(s) with chorea-acanthocytosis (PMID: 12404112). This variant is also known as 7339_7340insT, 2446FfsX4. ClinVar contains an entry for this variant (Variation ID: 1371394). Algorithms developed to predict the effect of sequence changes on RNA splicing suggest that this variant may disrupt the consensus splice site. For these reasons, this variant has been classified as Pathogenic.

Literature cited by the submitters: PubMed 12404112 (cited by Labcorp Genetics (formerly Invitae), Labcorp); PubMed 21598378 (cited by Labcorp Genetics (formerly Invitae), Labcorp).